The following is an entry in ClinVar:

NM_005562.3(LAMC2):c.3365T>G (p.Leu1122Ter)

Gene: LAMC2 (laminin subunit gamma 2; plus strand). Cytogenetic location: 1q25.3.
Variant type: single nucleotide variant.
Coding change: c.3365T>G on transcript NM_005562.3 (MANE Select); coding-DNA position 3365, T replaced by G.
Protein change: p.Leu1122Ter; replaces leucine 1122 with a stop codon.
Molecular consequence: nonsense.
Genome position (GRCh38, 1-based): chr1:183,243,183, T>G. VCF-style: chr1-183243183-T-G. GRCh37 (hg19) VCF-style: chr1-183212318-T-G.
Other names: short protein forms L1122*.
Identifiers: ClinVar variation 1180731 (VCV001180731.33), dbSNP rs1660173338, ClinGen allele CA343662557.
Genomic context (GRCh38, chr1:183,243,183, plus strand): 5'-CTTGTGTCTCATTCCTTGAAATAGACCAGCCTCTCAGTGTAGATGAAGAGGGGCTGGTCT[T>G]ACTGGAGCAGAAGCTTTCCCGAGCCAAGACCCAGATCAACAGCCAACTGCGGCCCATGAT-3'

ClinVar aggregate classification (germline): Pathogenic/Likely pathogenic. Review status: criteria provided, multiple submitters, no conflicts (2 of 4 stars). 3 submissions from 3 submitters: Pathogenic (2); Likely pathogenic (1). Last evaluated 2025-07-01.

Conditions:
Abnormality of the skin. Identifiers: MedGen C5848159, HP:0000951.
Epidermolysis bullosa, junctional 3B, severe. Also called: EPIDERMOLYSIS BULLOSA, JUNCTIONAL 3B, GENERALIZED SEVERE; EPIDERMOLYSIS BULLOSA, JUNCTIONAL 3B, HERLITZ TYPE. Identifiers: MedGen C5676939, MONDO:0030749, OMIM 619786.

gnomAD v4.1: 2 of 1,613,878 alleles (0.00012%); no homozygotes.

Submissions (3):

CeGaT Center for Human Genetics Tuebingen
Classification: Pathogenic. Last evaluated: 2025-07-01. Review status: criteria provided, single submitter. Criteria: CeGaT Center For Human Genetics Tuebingen Variant Classification Criteria Version 2. Collection method: clinical testing. Allele origin: germline. Affected: yes. Observed: 4 variant alleles.
Comment: LAMC2: PM3:Strong, PVS1:Strong, PM2

Department of Human Genetics, Hannover Medical School
Classification: Pathogenic for Epidermolysis bullosa, junctional 3B, severe. Last evaluated: 2024-06-20. Review status: criteria provided, single submitter. Criteria: ACMG Guidelines, 2015. Collection method: clinical testing. Allele origin: germline. Inheritance: Autosomal recessive inheritance. Affected: no.

Kariminejad - Najmabadi Pathology & Genetics Center
Classification: Likely pathogenic for Abnormality of the skin. Last evaluated: 2021-07-10. Review status: criteria provided, single submitter. Criteria: ACMG Guidelines, 2015. Collection method: clinical testing. Allele origin: germline.